The following is an entry in ClinVar:

NM_172364.5(CACNA2D4):c.2596T>G (p.Trp866Gly)

Gene: CACNA2D4 (calcium voltage-gated channel auxiliary subunit alpha2delta 4; minus strand). Cytogenetic location: 12p13.33.
Variant type: single nucleotide variant.
Coding change: c.2596T>G on transcript NM_172364.5 (MANE Select); coding-DNA position 2596, T replaced by G.
Protein change: p.Trp866Gly; replaces tryptophan 866 with glycine.
Molecular consequence: missense variant.
Genome position (GRCh38, 1-based): chr12:1,811,679, A>C on the plus strand (T>G on the coding strand, the complement: CACNA2D4 is on the minus strand). VCF-style: chr12-1811679-A-C. GRCh37 (hg19) VCF-style: chr12-1920845-A-C.
Other names: short protein forms W866G.
Identifiers: ClinVar variation 2003672 (VCV002003672.4), dbSNP rs1360457048, ClinGen allele CA383350355.

ClinVar aggregate classification (germline): Uncertain significance (1 of 4 stars; one submission).

Submission:

Labcorp Genetics (formerly Invitae), Labcorp
Classification: Uncertain significance. Last evaluated: 2022-06-14. Review status: criteria provided, single submitter. Criteria: Invitae Variant Classification Sherloc (09022015). Collection method: clinical testing. Allele origin: germline.
Comment: In summary, the available evidence is currently insufficient to determine the role of this variant in disease. Therefore, it has been classified as a Variant of Uncertain Significance. Algorithms developed to predict the effect of missense changes on protein structure and function are either unavailable or do not agree on the potential impact of this missense change (SIFT: "Deleterious"; PolyPhen-2: "Benign"; Align-GVGD: "Class C0"). This variant has not been reported in the literature in individuals affected with CACNA2D4-related conditions. This variant is not present in population databases (gnomAD no frequency). This sequence change replaces tryptophan, which is neutral and slightly polar, with glycine, which is neutral and non-polar, at codon 866 of the CACNA2D4 protein (p.Trp866Gly).